The following is an entry in ClinVar:

NM_003482.4(KMT2D):c.12161C>G (p.Thr4054Ser)

Gene: KMT2D (lysine methyltransferase 2D; minus strand). Cytogenetic location: 12q13.12.
Variant type: single nucleotide variant.
Coding change: c.12161C>G on transcript NM_003482.4 (MANE Select); coding-DNA position 12161, C replaced by G.
Protein change: p.Thr4054Ser; replaces threonine 4054 with serine.
Molecular consequence: missense variant.
Genome position (GRCh38, 1-based): chr12:49,032,544, G>C on the plus strand (C>G on the coding strand, the complement: KMT2D is on the minus strand). VCF-style: chr12-49032544-G-C. GRCh37 (hg19) VCF-style: chr12-49426327-G-C.
Other names: short protein forms T4054S.
Identifiers: ClinVar variation 2502803 (VCV002502803.1), dbSNP rs2120432235, ClinGen allele CA384712765.

ClinVar aggregate classification (germline): Uncertain significance (1 of 4 stars; one submission).

Submission:

GeneDx
Classification: Uncertain significance. Last evaluated: 2022-11-21. Review status: criteria provided, single submitter. Criteria: GeneDx Variant Classification Process June 2021. Collection method: clinical testing. Allele origin: germline. Affected: yes.
Comment: Not observed at significant frequency in large population cohorts (gnomAD); In silico analysis supports that this missense variant does not alter protein structure/function; Has not been previously published as pathogenic or benign to our knowledge